The following is an entry in ClinVar:

NM_201384.3(PLEC):c.6485C>T (p.Ala2162Val)

Gene: PLEC (plectin; minus strand). Cytogenetic location: 8q24.3.
Variant type: single nucleotide variant.
Coding change: c.6485C>T on transcript NM_201384.3 (MANE Select); coding-DNA position 6485, C replaced by T.
Protein change: p.Ala2162Val; replaces alanine 2162 with valine.
Molecular consequence: missense variant.
Genome position (GRCh38, 1-based): chr8:143,923,444, G>A on the plus strand (C>T on the coding strand, the complement: PLEC is on the minus strand). VCF-style: chr8-143923444-G-A. GRCh37 (hg19) VCF-style: chr8-144997612-G-A.
Other names: c.6566C>T, p.Ala2189Val (NM_000445.5); c.6443C>T, p.Ala2148Val (NM_201378.4); c.6419C>T, p.Ala2140Val (NM_201379.3); c.6896C>T, p.Ala2299Val (NM_201380.4); c.6389C>T, p.Ala2130Val (NM_201381.3); c.6485C>T, p.Ala2162Val (NM_201382.4); c.6497C>T, p.Ala2166Val (NM_201383.3); short protein forms A2130V, A2166V, A2189V, A2299V, A2140V, A2148V, A2162V.
Identifiers: ClinVar variation 952826 (VCV000952826.9), dbSNP rs374622479, ClinGen allele CA4925973.

ClinVar aggregate classification (germline): Uncertain significance. Review status: criteria provided, multiple submitters, no conflicts (2 of 4 stars). 2 submissions from 2 submitters: Uncertain significance (2). Last evaluated 2022-04-06.

Conditions:
Epidermolysis bullosa simplex 5C, with pyloric atresia (EBS5C). Also called: PLEC-Related Epidermolysis Bullosa with Pyloric Atresia; Epidermolysis bullosa simplex with pyloric atresia; PLEC1-Related Epidermolysis Bullosa with Pyloric Atresia. Identifiers: Orphanet 158684, MedGen C2677349, MONDO:0012807, OMIM 612138.
Epidermolysis bullosa simplex 5B, with muscular dystrophy (EBS5B). Also called: Epidermolysis bullosa simplex with muscular dystrophy; EPIDERMOLYSIS BULLOSA SIMPLEX AND LIMB-GIRDLE MUSCULAR DYSTROPHY. Identifiers: Orphanet 257, MedGen C2931072, MONDO:0009181, OMIM 226670.
Epidermolysis bullosa simplex, Ogna type (EBS5A). Also called: Pidermolysis bullosa simplex 5A, Ogna type; EPIDERMOLYSIS BULLOSA SIMPLEX 5A, OGNA TYPE. Identifiers: Orphanet 79401, MedGen C0432317, MONDO:0007555, OMIM 131950.
Autosomal recessive limb-girdle muscular dystrophy type 2Q (LGMDR17). Also called: MUSCULAR DYSTROPHY, LIMB-GIRDLE, AUTOSOMAL RECESSIVE 17. Identifiers: Orphanet 254361, MedGen C3150989, MONDO:0013390, OMIM 613723.
Epidermolysis bullosa simplex with nail dystrophy (EBS5D). Identifiers: MedGen C4225309, MONDO:0014661, OMIM 616487.

Allele frequency attached by ClinVar (database versions not stated): ExAC 0.00001; gnomAD exomes 0.00001; ESP Exome Variant Server 0.00008.

Submissions (2):

Labcorp Genetics (formerly Invitae), Labcorp
Classification: Uncertain significance for Autosomal recessive limb-girdle muscular dystrophy type 2Q; Epidermolysis bullosa simplex, Ogna type; Epidermolysis bullosa simplex with nail dystrophy; Epidermolysis bullosa simplex 5C, with pyloric atresia; Epidermolysis bullosa simplex 5B, with muscular dystrophy. Last evaluated: 2022-04-06. Review status: criteria provided, single submitter. Criteria: Invitae Variant Classification Sherloc (09022015). Collection method: clinical testing. Allele origin: germline.
Comment: In summary, the available evidence is currently insufficient to determine the role of this variant in disease. Therefore, it has been classified as a Variant of Uncertain Significance. Algorithms developed to predict the effect of sequence changes on RNA splicing suggest that this variant may create or strengthen a splice site. Algorithms developed to predict the effect of missense changes on protein structure and function output the following: SIFT: "Tolerated"; PolyPhen-2: "Benign"; Align-GVGD: "Class C0". The valine amino acid residue is found in multiple mammalian species, which suggests that this missense change does not adversely affect protein function. ClinVar contains an entry for this variant (Variation ID: 952826). This variant has not been reported in the literature in individuals affected with PLEC-related conditions. The frequency data for this variant in the population databases is considered unreliable, as metrics indicate poor data quality at this position in the gnomAD database. This sequence change replaces alanine, which is neutral and non-polar, with valine, which is neutral and non-polar, at codon 2189 of the PLEC protein (p.Ala2189Val).

Revvity Omics, Revvity
Classification: Uncertain significance. Last evaluated: 2019-07-29. Review status: criteria provided, single submitter. Criteria: ACMG Guidelines, 2015. Collection method: clinical testing. Allele origin: germline.